The following is an entry in ClinVar:

NM_001122955.4(BSCL2):c.943C>T (p.Leu315Phe)

Genes: BSCL2 (BSCL2 lipid droplet biogenesis associated, seipin; minus strand), HNRNPUL2-BSCL2 (HNRNPUL2-BSCL2 readthrough (NMD candidate); minus strand). Cytogenetic location: 11q12.3.
Variant type: single nucleotide variant.
Coding change: c.943C>T on transcript NM_001122955.4 (MANE Select); coding-DNA position 943, C replaced by T.
Protein change: p.Leu315Phe; replaces leucine 315 with phenylalanine.
Molecular consequence: missense variant. On other transcripts: non-coding transcript variant (1), intron variant (1).
Genome position (GRCh38, 1-based): chr11:62,691,342, G>A on the plus strand (C>T on the coding strand, the complement: BSCL2 is on the minus strand). VCF-style: chr11-62691342-G-A. GRCh37 (hg19) VCF-style: chr11-62458814-G-A.
Other names: c.943C>T, p.Leu315Phe (NM_001386027.1, NM_001386028.1); c.751C>T, p.Leu251Phe (NM_032667.6); c.672-201C>T (NM_001130702.2); short protein forms L251F, L315F.
Identifiers: ClinVar variation 2581975 (VCV002581975.2), dbSNP rs1452054909, ClinGen allele CA380959739.

ClinVar aggregate classification (germline): Uncertain significance (1 of 4 stars; one submission).

Allele frequency attached by ClinVar (database versions not stated): TOPMed below 0.00001; gnomAD exomes 0.00001.

Submission:

GeneDx
Classification: Uncertain significance. Last evaluated: 2026-10-22. Review status: criteria provided, single submitter. Criteria: GeneDx Variant Classification Process June 2021. Collection method: clinical testing. Allele origin: germline.
Comment: Not observed at significant frequency in large population cohorts (gnomAD); In silico analysis suggests that this missense variant does not alter protein structure/function; Has not been previously published as pathogenic or benign to our knowledge; This variant is associated with the following publications: (PMID: 18790819)